The following is an entry in ClinVar:

NM_000179.3(MSH6):c.4001+5_4001+6insAG

Gene: MSH6 (mutS homolog 6; plus strand). Cytogenetic location: 2p16.3.
Variant type: Insertion.
Coding change: c.4001+5_4001+6insAG on transcript NM_000179.3 (MANE Select); bases 5 to 6 of the intron after coding-DNA position 4001, AG inserted.
Molecular consequence: intron variant.
Genome position: GRCh38 VCF-style: chr2-47806656-C-CAG. GRCh37 (hg19) VCF-style: chr2-48033795-C-CAG.
Other names: c.4001+5_4001+6insAG (NM_001406809.1, NM_001406796.1, NM_001406808.1); c.3095+5_3095+6insAG (NM_001406811.1, NM_001406814.1, NM_001281493.2 and 6 more transcripts); c.3704+5_3704+6insAG (NM_001406805.1, NM_001406797.1, NM_001406801.1 and 10 more transcripts); c.4097+5_4097+6insAG (NM_001406795.1); c.3898-123_3898-122insAG (NM_001406802.1); c.4007+5_4007+6insAG (NM_001406813.1); c.3476+5_3476+6insAG (NM_001406807.1, NM_001406799.1, NM_001406806.1); c.*22+5_*22+6insAG (NM_001406800.1); and 9 more.
Identifiers: ClinVar variation 4111190 (VCV004111190.1).
Genomic context (GRCh38, chr2:47,806,656, plus strand): 5'-GGACATAGAAAAGCAAGAGAATTTGAGAAGATGAATCAGTCACTACGATTATTTCGGTAA[C>CAG]TAACTAACTATAATGGAATTATAACTAACTGACCTTAAGTTTCAAAGAAACAGTAAAAGG-3'

ClinVar aggregate classification (germline): Uncertain significance (1 of 4 stars; one submission).

Conditions:
Hereditary cancer-predisposing syndrome. Also called: Tumor predisposition; Neoplastic Syndromes, Hereditary; Hereditary neoplastic syndrome; Hereditary Cancer Syndrome. Identifiers: Orphanet 140162, MedGen C0027672, MeSH D009386, MONDO:0015356.

Submission:

Ambry Genetics
Classification: Uncertain significance for Hereditary cancer-predisposing syndrome. Last evaluated: 2025-07-01. Review status: criteria provided, single submitter. Criteria: Ambry Variant Classification Scheme 2023. Collection method: clinical testing. Allele origin: germline.
Comment: The c.4001+5_4001+6insAG intronic variant, results from an insertion of two nucleotides (AG) between nucleotide positions c.4001+5 and c.4001+6 in intron 9 of the MSH6 gene. This nucleotide region is conserved on limited sequence alignment. In silico splice site analysis for this alteration is inconclusive. Based on the available evidence, the clinical significance of this variant remains unclear.